The following is an entry in ClinVar:

ClinVar aggregate classification (germline): Likely pathogenic. Review status: criteria provided, multiple submitters, no conflicts (2 of 4 stars). 2 submissions from 2 submitters: Likely pathogenic (2). Last evaluated 2023-05-20.

Conditions:
RP1-related disorder. Also called: RP1-related condition.
Retinitis pigmentosa 1 (RP1). Identifiers: Orphanet 791, MedGen C0220701, MONDO:0008377, OMIM 180100.

Submissions (2):

Neuberg Centre For Genomic Medicine, NCGM
Classification: Likely pathogenic for Retinitis pigmentosa 1. Last evaluated: 2023-05-20. Review status: criteria provided, single submitter. Criteria: ACMG Guidelines, 2015. Collection method: clinical testing. Allele origin: germline. Inheritance: Autosomal recessive inheritance. Affected: yes.
Comment: The observed frameshift variant c.4421del(p.His1474LeufsTer10) in the RP1 gene has not been reported previously as a pathogenic variant nor as a benign variant, to our knowledge. This variant is absent in the gnomAD Exomes. This variant causes a frameshift starting with codon Histidine 1474, changes this amino acid to Leucine residue, and creates a premature Stop codon at position 10 of the new reading frame, denoted p.His1474LeufsTer10. Though this variant is present in the last exon, there are multiple pathogenic variants reported beyond this position in the ClinVar database. This variant is predicted to cause loss of normal protein function through protein truncation. Loss of function variants have been previously reported to be disease causing (Wang J, et al., 2021). For these reasons, this variant has been classified as Likely Pathogenic.

Blueprint Genetics
Classification: Likely pathogenic for RP1-related disorders. Last evaluated: 2021-10-08. Review status: criteria provided, single submitter. Criteria: ACMG Guidelines, 2015. Collection method: clinical testing. Allele origin: germline. Affected: yes. Observed: 1 variant allele.

NM_006269.2(RP1):c.4421del (p.His1474fs)

Gene: RP1 (RP1 axonemal microtubule associated; plus strand). Cytogenetic location: 8q12.1.
Variant type: Deletion.
Coding change: c.4421del on transcript NM_006269.2 (MANE Select); coding-DNA position 4421, one base deleted (A; older notation c.4421delA).
Protein change: p.His1474fs; shifts the reading frame from histidine 1474.
Molecular consequence: frameshift variant. On other transcripts: intron variant (1).
Genome position (GRCh38, 1-based): chr8:54,628,303, A deleted. VCF-style (leftmost placement, unchanged base first): chr8-54628302-CA-C. GRCh37 (hg19) VCF-style: chr8-55540862-CA-C.
Other names: c.787+6015del (NM_001375654.1); short protein forms H1474fs.
Identifiers: ClinVar variation 3367074 (VCV003367074.2).